The following is an entry in ClinVar:

ClinVar aggregate classification (germline): VUS-mid (1 of 4 stars; one submission).

Conditions:
Citrullinemia type I (CTNL1). Also called: ASS DEFICIENCY; argininosuccinate synthetase deficiency. Identifiers: Orphanet 247525, MedGen C4721769, MONDO:0008988, OMIM 215700.

Submission:

Centre for Medical Genetics,  Mumbai
Classification: VUS-mid for Citrullinemia type I. Last evaluated: 2026-04-22. Review status: criteria provided, single submitter. Criteria: ACMG Guidelines, 2015. Collection method: provider interpretation. Allele origin: germline. Inheritance: Autosomal recessive inheritance. Observed: 1 variant allele, 1 homozygote.
Comment: The variant satisfies PM2 criteria - extremely low frequency in gnomAD population databases. The variant satisfies PP2 criteria - missense variant in a gene with low rate of benign missense mutations and for which missense mutation is a common mechanism of a disease. Since, there is lack of sufficient clinical evidence, it could be considered as a variant of uncertain significance.

Literature cited by the submitters: PubMed 2358466.

NM_054012.4(ASS1):c.1228A>G (p.Thr410Ala)

Gene: ASS1 (argininosuccinate synthase 1; plus strand). Cytogenetic location: 9q34.11.
Variant type: single nucleotide variant.
Coding change: c.1228A>G on transcript NM_054012.4 (MANE Select); coding-DNA position 1228, A replaced by G.
Protein change: p.Thr410Ala; replaces threonine 410 with alanine.
Molecular consequence: missense variant.
Genome position (GRCh38, 1-based): chr9:130,501,010, A>G. VCF-style: chr9-130501010-A-G. GRCh37 (hg19) VCF-style: chr9-133376397-A-G.
Other names: c.1228A>G, p.Thr410Ala (NM_000050.4); short protein forms T410A.
Identifiers: ClinVar variation 4852269 (VCV004852269.1).